The following is an entry in ClinVar:

NM_032816.5(CEP89):c.886G>A (p.Val296Ile)

Gene: CEP89 (centrosomal protein 89; minus strand). Cytogenetic location: 19q13.11.
Variant type: single nucleotide variant.
Coding change: c.886G>A on transcript NM_032816.5 (MANE Select); coding-DNA position 886, G replaced by A.
Protein change: p.Val296Ile; replaces valine 296 with isoleucine.
Molecular consequence: missense variant.
Genome position (GRCh38, 1-based): chr19:32,933,451, C>T on the plus strand (G>A on the coding strand, the complement: CEP89 is on the minus strand). VCF-style: chr19-32933451-C-T. GRCh37 (hg19) VCF-style: chr19-33424357-C-T.
Other names: NC_000019.9:g.33424357C>T; short protein forms V296I.
Identifiers: ClinVar variation 4437943 (VCV004437943.2).

ClinVar aggregate classification (germline): Uncertain significance (1 of 4 stars; one submission).

gnomAD v4.1: 380 of 1,612,012 alleles (0.024%); highest among the groups gnomAD compares: Non-Finnish European, 0.03%; no homozygotes.

Submissions (2):

Labcorp Genetics (formerly Invitae), Labcorp
Classification: Uncertain significance. Last evaluated: 2025-08-05. Review status: criteria provided, single submitter. Criteria: Invitae Variant Classification Sherloc (09022015). Collection method: clinical testing. Allele origin: germline.
Comment: This sequence change replaces valine, which is neutral and non-polar, with isoleucine, which is neutral and non-polar, at codon 296 of the CEP89 protein (p.Val296Ile). This variant also falls at the last nucleotide of exon 8, which is part of the consensus splice site for this exon. This variant is present in population databases (rs755885105, gnomAD 0.01%). This variant has not been reported in the literature in individuals affected with CEP89-related conditions. An algorithm developed to predict the effect of missense changes on protein structure and function (PolyPhen-2) suggests that this variant is likely to be disruptive. Variants that disrupt the consensus splice site are a relatively common cause of aberrant splicing (PMID: 17576681, 9536098). Algorithms developed to predict the effect of sequence changes on RNA splicing suggest that this variant may disrupt the consensus splice site. In summary, the available evidence is currently insufficient to determine the role of this variant in disease. Therefore, it has been classified as a Variant of Uncertain Significance.

Dr. Peter K. Rogan Lab, Western University
No classification provided (evidence only). Condition: Hepatocellular carcinoma. Review status: no classification provided. Collection method: in vitro. Allele origin: not applicable. Functional consequence: retained intron. Not counted in ClinVar's aggregate classification.

Literature cited by the submitters: PubMed 17576681 (cited by Labcorp Genetics (formerly Invitae), Labcorp); PubMed 9536098 (cited by Labcorp Genetics (formerly Invitae), Labcorp).